The following is an entry in ClinVar:

NM_001011551.3(C1GALT1C1):c.317A>G (p.Lys106Arg)

Gene: C1GALT1C1 (C1GALT1 specific chaperone 1; minus strand). Cytogenetic location: Xq24.
Variant type: single nucleotide variant.
Coding change: c.317A>G on transcript NM_001011551.3 (MANE Select); coding-DNA position 317, A replaced by G.
Protein change: p.Lys106Arg; replaces lysine 106 with arginine.
Molecular consequence: missense variant.
Genome position (GRCh38, 1-based): chrX:120,626,850, T>C on the plus strand (A>G on the coding strand, the complement: C1GALT1C1 is on the minus strand). VCF-style: chrX-120626850-T-C. GRCh37 (hg19) VCF-style: chrX-119760705-T-C.
Other names: c.317A>G, p.Lys106Arg (NM_152692.5); short protein forms K106R.
Identifiers: ClinVar variation 1402703 (VCV001402703.7), dbSNP rs1274314052, ClinGen allele CA414209360.
Genomic context (GRCh38, chrX:120,626,850, plus strand): 5'-TAAGCTTTTCTCATCATTAACCACATGTCATTTGTGTCCATATTAATTGACTCAAACACT[T>C]TAACATTTTCAGAACTGAAGAACTCTGCTTTGTCACAGTGTTTGGTCCAAGTCTCCTTTA-3'
Protein context (NP_001011551.1, residues 96-116): KAEFFSSENV[Lys106Arg]VFESINMDTN

ClinVar aggregate classification (germline): Uncertain significance (1 of 4 stars; one submission).

Conditions:
Polyagglutinable erythrocyte syndrome (TNPS). Also called: TN POLYAGGLUTINATION SYNDROME; GALACTOSYLTRANSFERASE DEFICIENCY; TN POLYAGGLUTINATION SYNDROME, SOMATIC. Identifiers: MedGen C0272137, MONDO:0010381, OMIM 300622.

Allele frequency attached by ClinVar (database versions not stated): gnomAD exomes below 0.00001 and 0.00001.
gnomAD v4.1: 4 of 1,211,185 alleles (0.00033%); highest among the groups gnomAD compares: Non-Finnish European, 0.00045%; no homozygotes.

Submission:

Labcorp Genetics (formerly Invitae), Labcorp
Classification: Uncertain significance for Polyagglutinable erythrocyte syndrome. Last evaluated: 2025-03-27. Review status: criteria provided, single submitter. Criteria: Invitae Variant Classification Sherloc (09022015). Collection method: clinical testing. Allele origin: germline.
Comment: This sequence change replaces lysine, which is basic and polar, with arginine, which is basic and polar, at codon 106 of the C1GALT1C1 protein (p.Lys106Arg). This variant is present in population databases (no rsID available, gnomAD 0.001%). This variant has not been reported in the literature in individuals affected with C1GALT1C1-related conditions. ClinVar contains an entry for this variant (Variation ID: 1402703). Invitae Evidence Modeling of protein sequence and biophysical properties (such as structural, functional, and spatial information, amino acid conservation, physicochemical variation, residue mobility, and thermodynamic stability) indicates that this missense variant is not expected to disrupt C1GALT1C1 protein function with a negative predictive value of 80%. In summary, the available evidence is currently insufficient to determine the role of this variant in disease. Therefore, it has been classified as a Variant of Uncertain Significance.